The following is an entry in ClinVar:

ClinVar aggregate classification (germline): Uncertain significance (1 of 4 stars; one submission).

Conditions:
Charcot-Marie-Tooth disease type 2R. Also called: CHARCOT-MARIE-TOOTH DISEASE, AXONAL, AUTOSOMAL RECESSIVE, TYPE 2R; Charcot-Marie-Tooth disease, axonal, type 2R; CHARCOT-MARIE-TOOTH NEUROPATHY, TYPE 2R. Identifiers: Orphanet 397968, MedGen C3809655, MONDO:0014208, OMIM 615490.

Allele frequency attached by ClinVar (database versions not stated): gnomAD exomes below 0.00001.
gnomAD v4.1: 1 of 1,612,820 alleles (0.000062%); highest among the groups gnomAD compares: Non-Finnish European, 0.000085%; no homozygotes.

Submission:

Labcorp Genetics (formerly Invitae), Labcorp
Classification: Uncertain significance for Charcot-Marie-Tooth disease type 2R. Last evaluated: 2022-05-06. Review status: criteria provided, single submitter. Criteria: Invitae Variant Classification Sherloc (09022015). Collection method: clinical testing. Allele origin: germline.
Comment: This sequence change replaces proline, which is neutral and non-polar, with leucine, which is neutral and non-polar, at codon 672 of the TRIM2 protein (p.Pro672Leu). This variant is present in population databases (no rsID available, gnomAD 0.0009%). This variant has not been reported in the literature in individuals affected with TRIM2-related conditions. Algorithms developed to predict the effect of missense changes on protein structure and function are either unavailable or do not agree on the potential impact of this missense change (SIFT: "Deleterious"; PolyPhen-2: "Probably Damaging"; Align-GVGD: "Class C0"). In summary, the available evidence is currently insufficient to determine the role of this variant in disease. Therefore, it has been classified as a Variant of Uncertain Significance.

NM_015271.5(TRIM2):c.2096C>T (p.Pro699Leu)

Gene: TRIM2 (tripartite motif containing 2; plus strand). Cytogenetic location: 4q31.3.
Variant type: single nucleotide variant.
Coding change: c.2096C>T on transcript NM_015271.5 (MANE Select); coding-DNA position 2096, C replaced by T.
Protein change: p.Pro699Leu; replaces proline 699 with leucine.
Molecular consequence: missense variant.
Genome position (GRCh38, 1-based): chr4:153,328,603, C>T. VCF-style: chr4-153328603-C-T. GRCh37 (hg19) VCF-style: chr4-154249755-C-T.
Other names: c.2078C>T, p.Pro693Leu (NM_001351055.2); c.2027C>T, p.Pro676Leu (NM_001351056.2); c.2015C>T, p.Pro672Leu (NM_001130067.2, NM_001375512.1, NM_001375513.1 and 4 more transcripts); c.2081C>T, p.Pro694Leu (NM_001351054.2); c.1640C>T, p.Pro547Leu (NM_001351057.2); c.2189C>T, p.Pro730Leu (NM_001375488.1); c.2186C>T, p.Pro729Leu (NM_001375489.1); c.2039C>T, p.Pro680Leu (NM_001375490.1); and 4 more; short protein forms P586L, P729L, P547L, P672L, P694L, P730L, P587L, P588L.
Identifiers: ClinVar variation 1988057 (VCV001988057.4), dbSNP rs1378080392, ClinGen allele CA358470732.